The following is an entry in ClinVar:

ClinVar aggregate classification (germline): Uncertain significance. Review status: criteria provided, multiple submitters, no conflicts (2 of 4 stars). 3 submissions from 3 submitters: Uncertain significance (3). Last evaluated 2026-09-01.

Conditions:
Familial sleep-related hypermotor epilepsy. Also called: Autosomal Dominant Sleep-Related Hypermotor (Hyperkinetic) Epilepsy. Identifiers: Orphanet 98784, MedGen C3696898, MONDO:0000030.
Inborn genetic diseases. Identifiers: MedGen C0950123, MeSH D030342.

Allele frequency attached by ClinVar (database versions not stated): gnomAD exomes below 0.00001; gnomAD 0.00001; TOPMed 0.00001.
gnomAD v4.1: 6 of 1,613,870 alleles (0.00037%); highest among the groups gnomAD compares: Admixed American, 0.0017%; no homozygotes.

Submissions (3):

CeGaT Center for Human Genetics Tuebingen
Classification: Uncertain significance. Last evaluated: 2026-09-01. Review status: criteria provided, single submitter. Criteria: CeGaT Center For Human Genetics Tuebingen Variant Classification Criteria Version 2. Collection method: clinical testing. Allele origin: germline. Affected: yes. Observed: 1 variant allele.
Comment: CHRNA4: PM2, PP3

Labcorp Genetics (formerly Invitae), Labcorp
Classification: Uncertain significance. Last evaluated: 2025-01-15. Review status: criteria provided, single submitter. Criteria: Invitae Variant Classification Sherloc (09022015). Collection method: clinical testing. Allele origin: germline.
Comment: This sequence change replaces proline, which is neutral and non-polar, with leucine, which is neutral and non-polar, at codon 297 of the CHRNA4 protein (p.Pro297Leu). This variant is present in population databases (rs766414326, gnomAD 0.01%). This variant has not been reported in the literature in individuals affected with CHRNA4-related conditions. ClinVar contains an entry for this variant (Variation ID: 2916446). Invitae Evidence Modeling of protein sequence and biophysical properties (such as structural, functional, and spatial information, amino acid conservation, physicochemical variation, residue mobility, and thermodynamic stability) indicates that this missense variant is expected to disrupt CHRNA4 protein function with a positive predictive value of 80%. In summary, the available evidence is currently insufficient to determine the role of this variant in disease. Therefore, it has been classified as a Variant of Uncertain Significance.

Ambry Genetics
Classification: Uncertain significance for Inborn genetic diseases. Last evaluated: 2024-06-10. Review status: criteria provided, single submitter. Criteria: Ambry Variant Classification Scheme 2023. Collection method: clinical testing. Allele origin: germline.

NM_000744.7(CHRNA4):c.890C>T (p.Pro297Leu)

Gene: CHRNA4 (cholinergic receptor nicotinic alpha 4 subunit; minus strand). Cytogenetic location: 20q13.33.
Variant type: single nucleotide variant.
Coding change: c.890C>T on transcript NM_000744.7 (MANE Select); coding-DNA position 890, C replaced by T.
Protein change: p.Pro297Leu; replaces proline 297 with leucine.
Molecular consequence: missense variant. On other transcripts: non-coding transcript variant (1).
Genome position (GRCh38, 1-based): chr20:63,350,521, G>A on the plus strand (C>T on the coding strand, the complement: CHRNA4 is on the minus strand). VCF-style: chr20-63350521-G-A. GRCh37 (hg19) VCF-style: chr20-61981873-G-A.
Other names: c.890C>T (NM_000744.5); c.362C>T, p.Pro121Leu (NM_001256573.2); short protein forms P121L, P297L.
Identifiers: ClinVar variation 2916446 (VCV002916446.5), dbSNP rs766414326, ClinGen allele CA317435685.